The following is an entry in ClinVar:

ClinVar aggregate classification (germline): Uncertain significance. Review status: criteria provided, multiple submitters, no conflicts (2 of 4 stars). 2 submissions from 2 submitters: Uncertain significance (2). Last evaluated 2024-10-17.

Allele frequency attached by ClinVar (database versions not stated): ExAC 0.00006; 1000 Genomes Project 30x 0.00031; 1000 Genomes Project 0.00040.
gnomAD v4.1: 61 of 1,614,140 alleles (0.0038%); highest among the groups gnomAD compares: East Asian, 0.029%; no homozygotes.

Submissions (2):

Blueprint Genetics
Classification: Uncertain significance. Last evaluated: 2024-10-17. Review status: criteria provided, single submitter. Criteria: ACMG Guidelines, 2015. Collection method: clinical testing. Allele origin: germline.

GeneDx
Classification: Uncertain significance. Last evaluated: 2023-05-02. Review status: criteria provided, single submitter. Criteria: GeneDx Variant Classification Process June 2021. Collection method: clinical testing. Allele origin: germline. Affected: yes.
Comment: Has not been previously published as pathogenic or benign to our knowledge; In silico analysis supports that this missense variant does not alter protein structure/function

NM_001384125.1(BLTP1):c.3764C>T (p.Ser1255Phe)

Gene: BLTP1 (bridge-like lipid transfer protein family member 1; plus strand). Cytogenetic location: 4q27.
Variant type: single nucleotide variant.
Coding change: c.3764C>T on transcript NM_001384125.1 (MANE Select); coding-DNA position 3764, C replaced by T.
Protein change: p.Ser1255Phe; replaces serine 1255 with phenylalanine.
Molecular consequence: missense variant.
Genome position (GRCh38, 1-based): chr4:122,238,281, C>T. VCF-style: chr4-122238281-C-T. GRCh37 (hg19) VCF-style: chr4-123159436-C-T.
Other names: c.3764C>T, p.Ser1255Phe (NM_015312.4); short protein forms S1255F.
Identifiers: ClinVar variation 1325996 (VCV001325996.4), dbSNP rs199913101, ClinGen allele CA3066232.